The following is an entry in ClinVar:

NM_001728.4(BSG):c.1095-9G>A

Gene: BSG (basigin (Ok blood group); plus strand). Cytogenetic location: 19p13.3.
Variant type: single nucleotide variant.
Coding change: c.1095-9G>A on transcript NM_001728.4 (MANE Select); 9 bases into the intron before coding-DNA position 1095, G replaced by A.
Molecular consequence: intron variant.
Genome position (GRCh38, 1-based): chr19:582,505, G>A. VCF-style: chr19-582505-G-A. GRCh37 (hg19) VCF-style: chr19-582505-G-A.
Other names: c.468-9G>A (NM_198590.3, NM_198591.4); c.747-9G>A (NM_198589.3, NM_001322243.2).
Identifiers: ClinVar variation 3060190 (VCV003060190.2), dbSNP rs2072309, ClinGen allele CA9018113.

ClinVar aggregate classification (germline): Benign (0 of 4 stars; one submission).

Conditions:
BSG-related disorder. Also called: BSG-related condition.

Allele frequency attached by ClinVar (database versions not stated): ESP Exome Variant Server 0.23621; gnomAD exomes 0.24045; gnomAD 0.24867; TOPMed 0.25707; ExAC 0.28473; 1000 Genomes Project 0.31530; 1000 Genomes Project 30x 0.31808.

Submission:

PreventionGenetics, part of Exact Sciences
Classification: Benign for BSG-related condition. Last evaluated: 2019-10-21. Review status: no assertion criteria provided. Collection method: clinical testing. Allele origin: germline.
Comment: This variant is classified as benign based on ACMG/AMP sequence variant interpretation guidelines (Richards et al. 2015 PMID: 25741868, with internal and published modifications).